The following is an entry in ClinVar:

ClinVar aggregate classification (germline): Uncertain significance (1 of 4 stars; one submission).

Conditions:
Inborn genetic diseases. Identifiers: MedGen C0950123, MeSH D030342.

gnomAD v4.1: 2 of 1,614,140 alleles (0.00012%); highest among the groups gnomAD compares: Non-Finnish European, 0.00017%; no homozygotes.

Submission:

Ambry Genetics
Classification: Uncertain significance for Inborn genetic diseases. Last evaluated: 2017-12-15. Review status: criteria provided, single submitter. Criteria: Ambry Variant Classification Scheme 2023. Collection method: clinical testing. Allele origin: germline.
Comment: The p.M267L variant (also known as c.799A>T), located in coding exon 4 of the EHMT1 gene, results from an A to T substitution at nucleotide position 799. The methionine at codon 267 is replaced by leucine, an amino acid with highly similar properties. This amino acid position is not well conserved in available vertebrate species. In addition, this alteration is predicted to be tolerated by in silico analysis. Since supporting evidence is limited at this time, the clinical significance of this alteration remains unclear.

NM_024757.5(EHMT1):c.799A>T (p.Met267Leu)

Gene: EHMT1 (euchromatic histone lysine methyltransferase 1; plus strand). Cytogenetic location: 9q34.3.
Variant type: single nucleotide variant.
Coding change: c.799A>T on transcript NM_024757.5 (MANE Select); coding-DNA position 799, A replaced by T.
Protein change: p.Met267Leu; replaces methionine 267 with leucine.
Molecular consequence: missense variant.
Genome position (GRCh38, 1-based): chr9:137,728,505, A>T. VCF-style: chr9-137728505-A-T. GRCh37 (hg19) VCF-style: chr9-140622957-A-T.
Other names: c.799A>T, p.Met267Leu (NM_001145527.2, NM_001354263.2, NM_001354611.2); c.706A>T, p.Met236Leu (NM_001354259.2, NM_001354612.2); short protein forms M267L, M236L.
Identifiers: ClinVar variation 1761538 (VCV001761538.2), dbSNP rs139268115, ClinGen allele CA375772766.